The following is an entry in ClinVar:

NM_001377.3(DYNC2H1):c.8420G>A (p.Trp2807Ter)

Gene: DYNC2H1 (dynein cytoplasmic 2 heavy chain 1; plus strand). Cytogenetic location: 11q22.3.
Variant type: single nucleotide variant.
Coding change: c.8420G>A on transcript NM_001377.3 (MANE Select); coding-DNA position 8420, G replaced by A.
Protein change: p.Trp2807Ter; replaces tryptophan 2807 with a stop codon.
Molecular consequence: nonsense.
Genome position (GRCh38, 1-based): chr11:103,204,930, G>A. VCF-style: chr11-103204930-G-A. GRCh37 (hg19) VCF-style: chr11-103075659-G-A.
Other names: c.8420G>A, p.Trp2807Ter (NM_001080463.2); short protein forms W2807*.
Identifiers: ClinVar variation 3632212 (VCV003632212.2).

ClinVar aggregate classification (germline): Pathogenic (1 of 4 stars; one submission).

Conditions:
Jeune thoracic dystrophy. Also called: Jeune syndrome; Short-rib thoracic dysplasia; Infantile thoracic dystrophy; Thoracic pelvic phalangeal dystrophy; Jeune's syndrome; Chondroectodermal dysplasia-like syndrome. Identifiers: Orphanet 474, MedGen C0265275, MONDO:0018770.

Submission:

Labcorp Genetics (formerly Invitae), Labcorp
Classification: Pathogenic for Jeune thoracic dystrophy. Last evaluated: 2024-02-03. Review status: criteria provided, single submitter. Criteria: Invitae Variant Classification Sherloc (09022015). Collection method: clinical testing. Allele origin: germline.
Comment: This sequence change creates a premature translational stop signal (p.Trp2807*) in the DYNC2H1 gene. It is expected to result in an absent or disrupted protein product. Loss-of-function variants in DYNC2H1 are known to be pathogenic (PMID: 23339108, 32753734, 33755199). This variant is not present in population databases (gnomAD no frequency). This variant has not been reported in the literature in individuals affected with DYNC2H1-related conditions. Algorithms developed to predict the effect of sequence changes on RNA splicing suggest that this variant may disrupt the consensus splice site. For these reasons, this variant has been classified as Pathogenic.

Literature cited by the submitters: PubMed 23339108; PubMed 32753734; PubMed 33755199.